The following is an entry in ClinVar:

ClinVar aggregate classification (germline): Uncertain significance. Review status: criteria provided, multiple submitters, no conflicts (2 of 4 stars). 5 submissions from 5 submitters: Uncertain significance (5). Last evaluated 2026-01-26.

Conditions:
Inborn genetic diseases. Identifiers: MedGen C0950123, MeSH D030342.
Neuronopathy, distal hereditary motor, autosomal recessive 4. Also called: NEUROPATHY, DISTAL HEREDITARY MOTOR, AUTOSOMAL RECESSIVE 4; Autosomal recessive lower motor neuron disease with childhood onset. Identifiers: Orphanet 206580, MedGen C1970211, MONDO:0012608, OMIM 611067.
Charcot-Marie-Tooth disease recessive intermediate C. Also called: CHARCOT-MARIE-TOOTH NEUROPATHY, RECESSIVE INTERMEDIATE C. Identifiers: Orphanet 369867, MedGen C3809309, MONDO:0014154, OMIM 615376.

Allele frequency attached by ClinVar (database versions not stated): gnomAD 0.00001 and 0.00002; TOPMed 0.00003; ExAC 0.00005; gnomAD exomes 0.00007; 1000 Genomes Project 30x 0.00016; 1000 Genomes Project 0.00020.
gnomAD v4.1: 97 of 1,612,804 alleles (0.006%); highest among the groups gnomAD compares: Middle Eastern, 0.083%; 1 homozygote.

Submissions (5):

Labcorp Genetics (formerly Invitae), Labcorp
Classification: Uncertain significance for Neuronopathy, distal hereditary motor, autosomal recessive 4; Charcot-Marie-Tooth disease recessive intermediate C. Last evaluated: 2026-01-26. Review status: criteria provided, single submitter. Criteria: Invitae Variant Classification Sherloc (09022015). Collection method: clinical testing. Allele origin: germline.
Comment: This sequence change replaces glycine, which is neutral and non-polar, with alanine, which is neutral and non-polar, at codon 176 of the PLEKHG5 protein (p.Gly176Ala). This variant is present in population databases (rs531190324, gnomAD 0.01%). This variant has not been reported in the literature in individuals affected with PLEKHG5-related conditions. ClinVar contains an entry for this variant (Variation ID: 853243). An algorithm developed to predict the effect of missense changes on protein structure and function (PolyPhen-2) suggests that this variant is likely to be tolerated. In summary, the available evidence is currently insufficient to determine the role of this variant in disease. Therefore, it has been classified as a Variant of Uncertain Significance.

GeneDx
Classification: Uncertain significance. Last evaluated: 2025-02-19. Review status: criteria provided, single submitter. Criteria: GeneDx Variant Classification Process June 2021. Collection method: clinical testing. Allele origin: germline. Affected: yes.
Comment: Not observed at significant frequency in large population cohorts (gnomAD); In silico analysis indicates that this missense variant does not alter protein structure/function; Has not been previously published as pathogenic or benign to our knowledge

Ambry Genetics
Classification: Uncertain significance for Inborn genetic diseases. Last evaluated: 2024-08-11. Review status: criteria provided, single submitter. Criteria: Ambry Variant Classification Scheme 2023. Collection method: clinical testing. Allele origin: germline.

Department of Pathology and Laboratory Medicine, Sinai Health System
Classification: Uncertain significance for Neuronopathy, distal hereditary motor, autosomal recessive 4; Charcot-Marie-Tooth disease recessive intermediate C. Last evaluated: 2021-11-17. Review status: criteria provided, single submitter. Criteria: ACMG Guidelines, 2015. Collection method: research. Allele origin: germline.

Breakthrough Genomics
Classification: Uncertain significance. Review status: criteria provided, single submitter. Criteria: ACMG Guidelines, 2015. Collection method: not provided. Allele origin: germline. Inheritance: Autosomal recessive inheritance. Affected: yes.

NM_020631.6(PLEKHG5):c.527G>C (p.Gly176Ala)

Gene: PLEKHG5 (pleckstrin homology and RhoGEF domain containing G5; minus strand). Cytogenetic location: 1p36.31.
Variant type: single nucleotide variant.
Coding change: c.527G>C on transcript NM_020631.6 (MANE Select); coding-DNA position 527, G replaced by C.
Protein change: p.Gly176Ala; replaces glycine 176 with alanine.
Molecular consequence: missense variant.
Genome position (GRCh38, 1-based): chr1:6,474,077, C>G on the plus strand (G>C on the coding strand, the complement: PLEKHG5 is on the minus strand). VCF-style: chr1-6474077-C-G. GRCh37 (hg19) VCF-style: chr1-6534137-C-G.
Other names: c.638G>C, p.Gly213Ala (NM_001042663.3, NM_001265592.2); c.527G>C, p.Gly176Ala (NM_001042664.2, NM_001042665.2, NM_001265594.3 and 1 more transcripts); c.734G>C, p.Gly245Ala (NM_001265593.2); short protein forms G245A, G176A, G213A.
Identifiers: ClinVar variation 853243 (VCV000853243.12), dbSNP rs531190324, ClinGen allele CA561823.